The following is an entry in ClinVar:

NM_005005.2(NDUFB9):c.-133C>T

Genes: NDUFB9 (NADH:ubiquinone oxidoreductase subunit B9; plus strand), TATDN1 (TatD DNase domain containing 1; minus strand). Cytogenetic location: 8q24.13.
Variant type: single nucleotide variant.
Coding change: c.-133C>T on transcript NM_005005.2; 133 bases upstream of the start codon, C replaced by T.
Molecular consequence: 5 prime UTR variant (on NM_032026.4). On other transcripts: non-coding transcript variant (1).
Genome position (GRCh38, 1-based): chr8:124,539,054, C>T. VCF-style: chr8-124539054-C-T. GRCh37 (hg19) VCF-style: chr8-125551295-C-T.
Other names: c.-33G>A (NM_001146160.1); c.-8G>A (NM_001317889.1, NM_032026.4); c.-153G>A (NM_001317890.1); c.-190G>A (NM_001317891.1).
Identifiers: ClinVar variation 676049 (VCV000676049.4), dbSNP rs144730785, ClinGen allele CA4871366.

ClinVar aggregate classification (germline): Likely benign. Review status: criteria provided, multiple submitters, no conflicts (2 of 4 stars). 2 submissions from 2 submitters: Likely benign (2). Last evaluated 2018-06-14.

Allele frequency attached by ClinVar (database versions not stated): TOPMed 0.00417; ESP Exome Variant Server 0.00515; 1000 Genomes Project 0.01038; 1000 Genomes Project 30x 0.00937.
gnomAD v4.1: 14,651 of 1,613,148 alleles (0.91%); highest among the groups gnomAD compares: South Asian, 3.7%; 178 homozygotes.

Submissions (2):

GeneDx
Classification: Likely benign. Last evaluated: 2018-06-14. Review status: criteria provided, single submitter. Criteria: GeneDx Variant Classification (06012015). Collection method: clinical testing. Allele origin: germline. Affected: yes.
Comment: This variant is considered likely benign or benign based on one or more of the following criteria: it is a conservative change, it occurs at a poorly conserved position in the protein, it is predicted to be benign by multiple in silico algorithms, and/or has population frequency not consistent with disease.

Breakthrough Genomics
Classification: Likely benign. Review status: criteria provided, single submitter. Criteria: ACMG Guidelines, 2015. Collection method: not provided. Allele origin: germline. Inheritance: Unknown mechanism. Affected: yes.